The following is an entry in ClinVar:

NM_004463.3(FGD1):c.1226del (p.Asn409fs)

Gene: FGD1 (FYVE, RhoGEF and PH domain containing 1; minus strand). Cytogenetic location: Xp11.22.
Variant type: Deletion.
Coding change: c.1226del on transcript NM_004463.3 (MANE Select); coding-DNA position 1226, one base deleted (A; older notation c.1226delA).
Protein change: p.Asn409fs; shifts the reading frame from asparagine 409.
Molecular consequence: frameshift variant.
Genome position (GRCh38, 1-based): chrX:54,467,898, T deleted on the plus strand (A on the coding strand, the reverse complement: FGD1 is on the minus strand); the first of 2 consecutive T bases (chrX:54,467,898-54,467,899); deleting either gives the same sequence. VCF-style (leftmost placement, unchanged base first): chrX-54467897-GT-G. GRCh37 (hg19) VCF-style: chrX-54494330-GT-G.
Other names: short protein forms N409fs.
Identifiers: ClinVar variation 4723927 (VCV004723927.1).

ClinVar aggregate classification (germline): Pathogenic (1 of 4 stars; one submission).

Submission:

Labcorp Genetics (formerly Invitae), Labcorp
Classification: Pathogenic. Last evaluated: 2025-07-23. Review status: criteria provided, single submitter. Criteria: Invitae Variant Classification Sherloc (09022015). Collection method: clinical testing. Allele origin: germline.
Comment: This sequence change creates a premature translational stop signal (p.Asn409Thrfs*32) in the FGD1 gene. It is expected to result in an absent or disrupted protein product. Loss-of-function variants in FGD1 are known to be pathogenic (PMID: 21739585, 23211637, 25046119, 26029706). This variant is not present in population databases (gnomAD no frequency). This variant has not been reported in the literature in individuals affected with FGD1-related conditions. For these reasons, this variant has been classified as Pathogenic.

Literature cited by the submitters: PubMed 21739585; PubMed 23211637; PubMed 25046119; PubMed 26029706.